The following is an entry in ClinVar:

NM_001909.5(CTSD):c.8C>G (p.Pro3Arg)

Genes: CTSD (cathepsin D; minus strand), LOC130005119 (ATAC-STARR-seq lymphoblastoid silent region 3058; plus strand). Cytogenetic location: 11p15.5.
Variant type: single nucleotide variant.
Coding change: c.8C>G on transcript NM_001909.5 (MANE Select); coding-DNA position 8, C replaced by G.
Protein change: p.Pro3Arg; replaces proline 3 with arginine.
Molecular consequence: missense variant.
Genome position (GRCh38, 1-based): chr11:1,763,852, G>C on the plus strand (C>G on the coding strand, the complement: CTSD is on the minus strand). VCF-style: chr11-1763852-G-C. GRCh37 (hg19) VCF-style: chr11-1785082-G-C.
Other names: short protein forms P3R.
Identifiers: ClinVar variation 2194241 (VCV002194241.1), dbSNP rs757712173, ClinGen allele CA379101054.
Genomic context (GRCh38, chr11:1,763,852, plus strand): 5'-CTGACGAGCGCGGAGGCGGGTGCAGCCAGCAGGCAGAGGGCGAGCGGCAGAAGGCTGGAG[G>C]GCTGCATGGCGGCGGCGGCCGGGTCGGAGAGGGTCGCCGAGGCCGTGCGCTTATAGCCGG-3'
Protein context (NP_001900.1, residues 1-13): MQ[Pro3Arg]SSLLPLALCL

ClinVar aggregate classification (germline): Uncertain significance (1 of 4 stars; one submission).

Conditions:
Neuronal ceroid lipofuscinosis. Also called: Neuronal Ceroid Lipofuscinoses. Identifiers: Orphanet 216, Orphanet 79263, MedGen C0027877, MONDO:0016295. Disease mechanism: loss of function.

gnomAD v4.1: 7 of 1,524,822 alleles (0.00046%); highest among the groups gnomAD compares: South Asian, 0.0085%; no homozygotes.

Submission:

Labcorp Genetics (formerly Invitae), Labcorp
Classification: Uncertain significance for Neuronal ceroid lipofuscinosis. Last evaluated: 2022-08-05. Review status: criteria provided, single submitter. Criteria: Invitae Variant Classification Sherloc (09022015). Collection method: clinical testing. Allele origin: germline.
Comment: This sequence change replaces proline, which is neutral and non-polar, with arginine, which is basic and polar, at codon 3 of the CTSD protein (p.Pro3Arg). This variant is present in population databases (no rsID available, gnomAD 0.01%). This variant has not been reported in the literature in individuals affected with CTSD-related conditions. Algorithms developed to predict the effect of missense changes on protein structure and function are either unavailable or do not agree on the potential impact of this missense change (SIFT: "Tolerated"; PolyPhen-2: "Not Available"; Align-GVGD: "Class C0"). In summary, the available evidence is currently insufficient to determine the role of this variant in disease. Therefore, it has been classified as a Variant of Uncertain Significance.